The following is an entry in ClinVar:

ClinVar aggregate classification (germline): Uncertain significance (1 of 4 stars; one submission).

Conditions:
Developmental and epileptic encephalopathy, 9 (DEE9). Also called: Early infantile epileptic encephalopathy 9; EPILEPSY, FEMALE-RESTRICTED, WITH MENTAL RETARDATION; JUBERG-HELLMAN SYNDROME; PCDH19-Related X-Linked Female-Limited Epilepsy with Mental Retardation. Identifiers: Orphanet 101039, Orphanet 2076, MedGen C1848137, MONDO:0010246, OMIM 300088. Disease mechanism: loss of function.

gnomAD v4.1: 2 of 1,211,571 alleles (0.00017%); highest among the groups gnomAD compares: Admixed American, 0.0043%; no homozygotes.

Submission:

Labcorp Genetics (formerly Invitae), Labcorp
Classification: Uncertain significance for Developmental and epileptic encephalopathy, 9. Last evaluated: 2023-03-21. Review status: criteria provided, single submitter. Criteria: Invitae Variant Classification Sherloc (09022015). Collection method: clinical testing. Allele origin: germline.
Comment: This variant has not been reported in the literature in individuals affected with PCDH19-related conditions. Advanced modeling of protein sequence and biophysical properties (such as structural, functional, and spatial information, amino acid conservation, physicochemical variation, residue mobility, and thermodynamic stability) has been performed at Invitae for this missense variant, however the output from this modeling did not meet the statistical confidence thresholds required to predict the impact of this variant on PCDH19 protein function. In summary, the available evidence is currently insufficient to determine the role of this variant in disease. Therefore, it has been classified as a Variant of Uncertain Significance. This variant is present in population databases (no rsID available, gnomAD 0.004%). This sequence change replaces valine, which is neutral and non-polar, with leucine, which is neutral and non-polar, at codon 642 of the PCDH19 protein (p.Val642Leu).

NM_001184880.2(PCDH19):c.1924G>T (p.Val642Leu)

Gene: PCDH19 (protocadherin 19; minus strand). Cytogenetic location: Xq22.1.
Variant type: single nucleotide variant.
Coding change: c.1924G>T on transcript NM_001184880.2 (MANE Select); coding-DNA position 1924, G replaced by T.
Protein change: p.Val642Leu; replaces valine 642 with leucine.
Molecular consequence: missense variant.
Genome position (GRCh38, 1-based): chrX:100,406,674, C>A on the plus strand (G>T on the coding strand, the complement: PCDH19 is on the minus strand). VCF-style: chrX-100406674-C-A. GRCh37 (hg19) VCF-style: chrX-99661672-C-A.
Other names: c.1924G>T, p.Val642Leu (NM_001105243.2, NM_020766.3); short protein forms V642L.
Identifiers: ClinVar variation 2740790 (VCV002740790.3), dbSNP rs1221643775, ClinGen allele CA414001673.
Genomic context (GRCh38, chrX:100,406,674, plus strand): 5'-AGTAGATTAGGACGAGAGCAGAGGCAGAGAGAGATGTCTTGCCGTGGTCGTGAGCCACCA[C>A]GATAAGCTCATAGGAGGACTTGGAGCTCTCCCCGAAGGTGCGGGTGGTTCTGACTTCGCC-3'
Protein context (NP_001171809.1, residues 632-652): ESSKSSYELI[Val642Leu]VAHDHGKTSL